The following is an entry in ClinVar:

NM_001378183.1(PIEZO2):c.6975+6T>C

Gene: PIEZO2 (piezo type mechanosensitive ion channel component 2; minus strand). Cytogenetic location: 18p11.22.
Variant type: single nucleotide variant.
Coding change: c.6975+6T>C on transcript NM_001378183.1 (MANE Select); 6 bases into the intron after coding-DNA position 6975, T replaced by C.
Molecular consequence: intron variant.
Genome position (GRCh38, 1-based): chr18:10,696,386, A>G on the plus strand (T>C on the coding strand, the complement: PIEZO2 is on the minus strand). VCF-style: chr18-10696386-A-G. GRCh37 (hg19) VCF-style: chr18-10696384-A-G.
Other names: c.6636+6T>C (NM_022068.4).
Identifiers: ClinVar variation 1969831 (VCV001969831.5), dbSNP rs2510273118, ClinGen allele CA2580095441.

ClinVar aggregate classification (germline): Uncertain significance (1 of 4 stars; one submission).

Submission:

Labcorp Genetics (formerly Invitae), Labcorp
Classification: Uncertain significance. Last evaluated: 2022-10-05. Review status: criteria provided, single submitter. Criteria: Invitae Variant Classification Sherloc (09022015). Collection method: clinical testing. Allele origin: germline.
Comment: In summary, the available evidence is currently insufficient to determine the role of this variant in disease. Therefore, it has been classified as a Variant of Uncertain Significance. Variants that disrupt the consensus splice site are a relatively common cause of aberrant splicing (PMID: 17576681, 9536098). Algorithms developed to predict the effect of sequence changes on RNA splicing suggest that this variant may create or strengthen a splice site. This variant has not been reported in the literature in individuals affected with PIEZO2-related conditions. This variant is not present in population databases (gnomAD no frequency). This sequence change falls in intron 42 of the PIEZO2 gene. It does not directly change the encoded amino acid sequence of the PIEZO2 protein. It affects a nucleotide within the consensus splice site.

Literature cited by the submitters: PubMed 17576681; PubMed 9536098.